The following is an entry in ClinVar:

ClinVar aggregate classification (germline): Uncertain significance (1 of 4 stars; one submission).

Allele frequency attached by ClinVar (database versions not stated): gnomAD exomes below 0.00001; TOPMed 0.00002.

Submission:

Labcorp Genetics (formerly Invitae), Labcorp
Classification: Uncertain significance. Last evaluated: 2022-05-13. Review status: criteria provided, single submitter. Criteria: Invitae Variant Classification Sherloc (09022015). Collection method: clinical testing. Allele origin: germline.
Comment: In summary, the available evidence is currently insufficient to determine the role of this variant in disease. Therefore, it has been classified as a Variant of Uncertain Significance. This sequence change replaces glutamine, which is neutral and polar, with arginine, which is basic and polar, at codon 173 of the FOXI3 protein (p.Gln173Arg). This variant is not present in population databases (gnomAD no frequency). This variant has not been reported in the literature in individuals affected with FOXI3-related conditions. Experimental studies and prediction algorithms are not available or were not evaluated, and the functional significance of this variant is currently unknown.

NM_001135649.3(FOXI3):c.518A>G (p.Gln173Arg)

Gene: FOXI3 (forkhead box I3; minus strand). Cytogenetic location: 2p11.2.
Variant type: single nucleotide variant.
Coding change: c.518A>G on transcript NM_001135649.3 (MANE Select); coding-DNA position 518, A replaced by G.
Protein change: p.Gln173Arg; replaces glutamine 173 with arginine.
Molecular consequence: missense variant.
Genome position (GRCh38, 1-based): chr2:88,452,018, T>C on the plus strand (A>G on the coding strand, the complement: FOXI3 is on the minus strand). VCF-style: chr2-88452018-T-C. GRCh37 (hg19) VCF-style: chr2-88751537-T-C.
Other names: short protein forms Q173R.
Identifiers: ClinVar variation 1437882 (VCV001437882.7), dbSNP rs1207854672, ClinGen allele CA347766172.
Genomic context (GRCh38, chr2:88,452,018, plus strand): 5'-ATGGAGTTCTGCCAGCCGGCCTTGCTGCGCTGGTAGAAGGGGAAGCTATCGGCGACGAAC[T>C]GGTAGATGTGGCTGAGAGTGAGTTTGCGCTCGGGCGCGCTCTGAATGGCCATGGCGATGA-3'
Protein context (NP_001129121.1, residues 163-183): ERKLTLSHIY[Gln173Arg]FVADSFPFYQ